The following is an entry in ClinVar:

ClinVar aggregate classification (germline): Uncertain significance. Review status: criteria provided, multiple submitters, no conflicts (2 of 4 stars). 6 submissions from 6 submitters: Uncertain significance (5). 1 of the submissions does not count toward it. Last evaluated 2025-03-24.

Conditions:
Hereditary cancer-predisposing syndrome. Also called: Neoplastic Syndromes, Hereditary; Tumor predisposition; Hereditary Cancer Syndrome; Hereditary neoplastic syndrome. Identifiers: Orphanet 140162, MedGen C0027672, MeSH D009386, MONDO:0015356.
Familial cancer of breast. Also called: BREAST CANCER, FAMILIAL; Hereditary breast cancer; hereditary breast carcinoma. Identifiers: Orphanet 227535, MedGen C0346153, MONDO:0016419, OMIM 114480. Disease mechanism: loss of function.

Allele frequency attached by ClinVar (database versions not stated): gnomAD exomes below 0.00001; gnomAD 0.00001.
gnomAD v4.1: 2 of 1,614,102 alleles (0.00012%); highest among the groups gnomAD compares: Non-Finnish European, 0.00017%; no homozygotes.

Submissions (6):

Labcorp Genetics (formerly Invitae), Labcorp
Classification: Uncertain significance for Familial cancer of breast. Last evaluated: 2025-03-24. Review status: criteria provided, single submitter. Criteria: Invitae Variant Classification Sherloc (09022015). Collection method: clinical testing. Allele origin: germline.
Comment: This sequence change replaces serine, which is neutral and polar, with glycine, which is neutral and non-polar, at codon 771 of the PALB2 protein (p.Ser771Gly). This variant is not present in population databases (gnomAD no frequency). This variant has not been reported in the literature in individuals affected with PALB2-related conditions. ClinVar contains an entry for this variant (Variation ID: 186302). Invitae Evidence Modeling of protein sequence and biophysical properties (such as structural, functional, and spatial information, amino acid conservation, physicochemical variation, residue mobility, and thermodynamic stability) indicates that this missense variant is not expected to disrupt PALB2 protein function with a negative predictive value of 80%. In summary, the available evidence is currently insufficient to determine the role of this variant in disease. Therefore, it has been classified as a Variant of Uncertain Significance.

Ambry Genetics
Classification: Uncertain significance for Hereditary cancer-predisposing syndrome. Last evaluated: 2025-02-24. Review status: criteria provided, single submitter. Criteria: Ambry Variant Classification Scheme 2023. Collection method: clinical testing. Allele origin: germline.
Comment: The p.S771G variant (also known as c.2311A>G), located in coding exon 5 of the PALB2 gene, results from an A to G substitution at nucleotide position 2311. The serine at codon 771 is replaced by glycine, an amino acid with similar properties. This amino acid position is poorly conserved in available vertebrate species. In addition, this alteration is predicted to be tolerated by in silico analysis. Since supporting evidence is limited at this time, the clinical significance of this alteration remains unclear.

Color Diagnostics, LLC DBA Color Health
Classification: Uncertain significance for Hereditary cancer-predisposing syndrome. Last evaluated: 2024-02-06. Review status: criteria provided, single submitter. Criteria: ACMG Guidelines, 2015. Collection method: clinical testing. Allele origin: germline.
Comment: This missense variant replaces serine with glycine at codon 771 of the PALB2 protein. Computational prediction suggests that this variant may not impact protein structure and function. To our knowledge, functional studies have not been reported for this variant. This variant has not been reported in individuals affected with PALB2-related disorders in the literature. This variant has not been identified in the general population by the Genome Aggregation Database (gnomAD). The available evidence is insufficient to determine the role of this variant in disease conclusively. Therefore, this variant is classified as a Variant of Uncertain Significance.

Myriad Genetics, Inc.
Classification: Uncertain significance for Familial cancer of breast. Last evaluated: 2023-03-30. Review status: criteria provided, single submitter. Criteria: Myriad Autosomal Dominant, Autosomal Recessive and X-Linked Classification Criteria (2023). Collection method: clinical testing. Allele origin: unknown.
Comment: This variant is classified as a variant of uncertain significance as there is insufficient evidence to determine its impact on protein function and/or cancer risk.

Women's Health and Genetics/Laboratory Corporation of America, LabCorp
Classification: Uncertain significance. Last evaluated: 2022-01-20. Review status: criteria provided, single submitter. Criteria: LabCorp Variant Classification Summary - May 2015. Collection method: clinical testing. Allele origin: germline.

Counsyl
Classification: Uncertain significance for Familial cancer of breast. Last evaluated: 2016-04-20. Review status: no assertion criteria provided. Collection method: clinical testing. Allele origin: unknown. Not counted in ClinVar's aggregate classification.

NM_024675.4(PALB2):c.2311A>G (p.Ser771Gly)

Gene: PALB2 (partner and localizer of BRCA2; minus strand). Cytogenetic location: 16p12.2.
Variant type: single nucleotide variant.
Coding change: c.2311A>G on transcript NM_024675.4 (MANE Select); coding-DNA position 2311, A replaced by G.
Protein change: p.Ser771Gly; replaces serine 771 with glycine.
Molecular consequence: missense variant.
Genome position (GRCh38, 1-based): chr16:23,629,843, T>C on the plus strand (A>G on the coding strand, the complement: PALB2 is on the minus strand). VCF-style: chr16-23629843-T-C. GRCh37 (hg19) VCF-style: chr16-23641164-T-C.
Other names: short protein forms S771G.
Identifiers: ClinVar variation 186302 (VCV000186302.25), dbSNP rs786202846, ClinGen allele CA194411.